The following is an entry in ClinVar:

NM_000218.3(KCNQ1):c.107del (p.Phe36fs)

Gene: KCNQ1 (potassium voltage-gated channel subfamily Q member 1; plus strand). Cytogenetic location: 11p15.5.
Variant type: Deletion.
Coding change: c.107del on transcript NM_000218.3 (MANE Select); coding-DNA position 107, one base deleted (T; older notation c.107delT).
Protein change: p.Phe36fs; shifts the reading frame from phenylalanine 36.
Molecular consequence: frameshift variant. On other transcripts: 5 prime UTR variant (1).
Genome position (GRCh38, 1-based): chr11:2,445,205, T deleted; the last of 2 consecutive T bases (chr11:2,445,204-2,445,205); deleting either gives the same sequence. VCF-style (leftmost placement, unchanged base first): chr11-2445203-CT-C. GRCh37 (hg19) VCF-style: chr11-2466433-CT-C.
Other names: c.107del, p.Phe36fs (NM_001406836.1, NM_001406838.1); c.-256del (NM_001406837.1); short protein forms F36fs.
Identifiers: ClinVar variation 3862980 (VCV003862980.1).

ClinVar aggregate classification (germline): Pathogenic (1 of 4 stars; one submission).

Conditions:
Cardiovascular phenotype. Identifiers: MedGen CN230736.

Submission:

Ambry Genetics
Classification: Pathogenic for Cardiovascular phenotype. Last evaluated: 2024-12-20. Review status: criteria provided, single submitter. Criteria: Ambry Variant Classification Scheme 2023. Collection method: clinical testing. Allele origin: germline.
Comment: The c.107delT pathogenic mutation, located in coding exon 1 of the KCNQ1 gene, results from a deletion of one nucleotide at nucleotide position 107, causing a translational frameshift with a predicted alternate stop codon (p.F36Sfs*50). This variant is considered to be rare based on population cohorts in the Genome Aggregation Database (gnomAD). This alteration is expected to result in loss of function by premature protein truncation or nonsense-mediated mRNA decay. As such, this alteration is interpreted as a disease-causing mutation.